The following is an entry in ClinVar:

ClinVar aggregate classification (germline): Benign/Likely benign. Review status: criteria provided, multiple submitters, no conflicts (2 of 4 stars). 3 submissions from 3 submitters: Benign (1); Likely benign (2). Last evaluated 2026-04-27.

Conditions:
Vitamin B2 deficiency. Identifiers: MedGen C0035528.
SLC52A1-related disorder. Also called: SLC52A1-related condition.

Submissions (3):

PreventionGenetics, part of Exact Sciences
Classification: Likely benign for SLC52A1-related condition. Last evaluated: 2026-04-27. Review status: criteria provided, single submitter. Criteria: ACMG Guidelines, 2015. Collection method: clinical testing. Allele origin: germline.
Comment: This variant is classified as likely benign based on ACMG/AMP sequence variant interpretation guidelines (Richards et al. 2015 PMID: 25741868, with internal and published modifications).

Labcorp Genetics (formerly Invitae), Labcorp
Classification: Benign for Vitamin B2 deficiency. Last evaluated: 2025-12-23. Review status: criteria provided, single submitter. Criteria: Invitae Variant Classification Sherloc (09022015). Collection method: clinical testing. Allele origin: germline.

Blueprint Genetics
Classification: Likely benign. Last evaluated: 2024-06-20. Review status: criteria provided, single submitter. Criteria: ACMG Guidelines, 2015. Collection method: clinical testing. Allele origin: germline.

NM_017986.4(SLC52A1):c.1010+10_1010+19del

Gene: SLC52A1 (solute carrier family 52 member 1; minus strand). Cytogenetic location: 17p13.2.
Variant type: Deletion.
Coding change: c.1010+10_1010+19del on transcript NM_017986.4 (MANE Select); bases 10 to 19 of the intron after coding-DNA position 1010, 10 bases deleted (GGTCCCCAGG; older notation c.1010+10_1010+19delGGTCCCCAGG).
Molecular consequence: intron variant.
Genome position (GRCh38, 1-based): chr17:5,033,460-5,033,469, CCTGGGGACC deleted on the plus strand (GGTCCCCAGG on the coding strand, the reverse complement: SLC52A1 is on the minus strand); deleting any 10 consecutive bases within chr17:5,033,460-5,033,470 gives the same sequence; the c. name uses the placement nearest the transcript's 3' end. VCF-style (leftmost placement, unchanged base first): chr17-5033459-GCCTGGGGACC-G. GRCh37 (hg19) VCF-style: chr17-4936754-GCCTGGGGACC-G.
Other names: c.1010+10_1010+19del (NM_001104577.2, NM_017986.3); c.1010+10_1010+19del10 (NM_001104577.1).
Identifiers: ClinVar variation 777112 (VCV000777112.14), dbSNP rs553728943, ClinGen allele CA8319657.